The following is an entry in ClinVar:

ClinVar aggregate classification (germline): Benign. Review status: criteria provided, multiple submitters, no conflicts (2 of 4 stars). 3 submissions from 3 submitters: Benign (2). 1 of the submissions does not count toward it. Last evaluated 2026-01-26.

Conditions:
PLD1-related disorder. Also called: PLD1-related condition.

Allele frequency attached by ClinVar (database versions not stated): gnomAD exomes 0.00195 and 0.00215; ExAC 0.00216; gnomAD 0.00612 and 0.00656; 1000 Genomes Project 30x 0.00656; TOPMed 0.00685; 1000 Genomes Project 0.00699; ESP Exome Variant Server 0.00761.
gnomAD v4.1: 4,072 of 1,613,416 alleles (0.25%); highest among the groups gnomAD compares: African/African-American, 1.9%; 22 homozygotes.

Submissions (3):

Labcorp Genetics (formerly Invitae), Labcorp
Classification: Benign. Last evaluated: 2026-01-26. Review status: criteria provided, single submitter. Criteria: Invitae Variant Classification Sherloc (09022015). Collection method: clinical testing. Allele origin: germline.

Breakthrough Genomics
Classification: Benign. Review status: criteria provided, single submitter. Criteria: ACMG Guidelines, 2015. Collection method: not provided. Allele origin: germline. Inheritance: Autosomal recessive inheritance. Affected: yes.

PreventionGenetics, part of Exact Sciences
Classification: Benign for PLD1-related condition. Last evaluated: 2019-07-10. Review status: no assertion criteria provided. Collection method: clinical testing. Allele origin: germline. Not counted in ClinVar's aggregate classification.
Comment: This variant is classified as benign based on ACMG/AMP sequence variant interpretation guidelines (Richards et al. 2015 PMID: 25741868, with internal and published modifications).

NM_002662.5(PLD1):c.145C>G (p.Pro49Ala)

Gene: PLD1 (phospholipase D1; minus strand). Cytogenetic location: 3q26.31.
Variant type: single nucleotide variant.
Coding change: c.145C>G on transcript NM_002662.5 (MANE Select); coding-DNA position 145, C replaced by G.
Protein change: p.Pro49Ala; replaces proline 49 with alanine.
Molecular consequence: missense variant.
Genome position (GRCh38, 1-based): chr3:171,737,907, G>C on the plus strand (C>G on the coding strand, the complement: PLD1 is on the minus strand). VCF-style: chr3-171737907-G-C. GRCh37 (hg19) VCF-style: chr3-171455697-G-C.
Other names: c.145C>G, p.Pro49Ala (NM_001130081.3); short protein forms P49A.
Identifiers: ClinVar variation 708888 (VCV000708888.13), dbSNP rs9819927, ClinGen allele CA2705065.